The following is an entry in ClinVar:

NM_000059.4(BRCA2):c.8030A>G (p.Glu2677Gly)

Gene: BRCA2 (BRCA2 DNA repair associated; plus strand). Cytogenetic location: 13q13.1.
Variant type: single nucleotide variant.
Coding change: c.8030A>G on transcript NM_000059.4 (MANE Select); coding-DNA position 8030, A replaced by G.
Protein change: p.Glu2677Gly; replaces glutamic acid 2677 with glycine.
Molecular consequence: missense variant. On other transcripts: non-coding transcript variant (1).
Genome position (GRCh38, 1-based): chr13:32,363,232, A>G. VCF-style: chr13-32363232-A-G. GRCh37 (hg19) VCF-style: chr13-32937369-A-G.
Other names: c.7934A>G, p.Glu2645Gly (NM_001406719.1); c.8030A>G, p.Glu2677Gly (NM_001406720.1, NM_001432077.1); c.3098A>G, p.Glu1033Gly (NM_001406721.1); c.1613A>G, p.Glu538Gly (NM_001406722.1); short protein forms E1033G, E2645G, E2677G, E538G.
Identifiers: ClinVar variation 3390830 (VCV003390830.1).

ClinVar aggregate classification (germline): Uncertain significance (1 of 4 stars; one submission).

Submission:

GeneDx
Classification: Uncertain significance. Last evaluated: 2024-06-14. Review status: criteria provided, single submitter. Criteria: GeneDx Variant Classification Process June 2021. Collection method: clinical testing. Allele origin: germline. Affected: yes.
Comment: Not observed at significant frequency in large population cohorts (gnomAD); In silico analysis indicates that this missense variant does not alter protein structure/function; Has not been previously published as pathogenic or benign to our knowledge; Also known as 8258A>G; This variant is associated with the following publications: (PMID: 12228710)